The following is an entry in ClinVar:

ClinVar aggregate classification (germline): Uncertain significance (1 of 4 stars; one submission).

Conditions:
Nephronophthisis. Also called: Juvenile Nephronophthisis. Identifiers: Orphanet 655, MedGen C0687120, MONDO:0019005, HP:0000090.

gnomAD v4.1: 2 of 1,613,700 alleles (0.00012%); highest among the groups gnomAD compares: African/African-American, 0.0013%; no homozygotes.

Submission:

Labcorp Genetics (formerly Invitae), Labcorp
Classification: Uncertain significance for Nephronophthisis. Last evaluated: 2024-11-04. Review status: criteria provided, single submitter. Criteria: Invitae Variant Classification Sherloc (09022015). Collection method: clinical testing. Allele origin: germline.
Comment: This sequence change replaces proline, which is neutral and non-polar, with serine, which is neutral and polar, at codon 308 of the NPHP4 protein (p.Pro308Ser). This variant is not present in population databases (gnomAD no frequency). This variant has not been reported in the literature in individuals affected with NPHP4-related conditions. ClinVar contains an entry for this variant (Variation ID: 1447129). Invitae Evidence Modeling of protein sequence and biophysical properties (such as structural, functional, and spatial information, amino acid conservation, physicochemical variation, residue mobility, and thermodynamic stability) indicates that this missense variant is expected to disrupt NPHP4 protein function with a positive predictive value of 80%. In summary, the available evidence is currently insufficient to determine the role of this variant in disease. Therefore, it has been classified as a Variant of Uncertain Significance.

NM_015102.5(NPHP4):c.922C>T (p.Pro308Ser)

Gene: NPHP4 (nephrocystin 4; minus strand). Cytogenetic location: 1p36.31.
Variant type: single nucleotide variant.
Coding change: c.922C>T on transcript NM_015102.5 (MANE Select); coding-DNA position 922, C replaced by T.
Protein change: p.Pro308Ser; replaces proline 308 with serine.
Molecular consequence: missense variant. On other transcripts: 5 prime UTR variant (2), non-coding transcript variant (1).
Genome position (GRCh38, 1-based): chr1:5,948,140, G>A on the plus strand (C>T on the coding strand, the complement: NPHP4 is on the minus strand). VCF-style: chr1-5948140-G-A. GRCh37 (hg19) VCF-style: chr1-6008200-G-A.
Other names: c.-445C>T (NM_001291593.2, NM_001291594.2); short protein forms P308S.
Identifiers: ClinVar variation 1447129 (VCV001447129.6), dbSNP rs1570585632, ClinGen allele CA338064773.